The following is an entry in ClinVar:

ClinVar aggregate classification (germline): Uncertain significance. Review status: criteria provided, single submitter (1 of 4 stars). 2 submissions from 2 submitters: Uncertain significance (1). 1 of the submissions does not count toward it. Last evaluated 2024-06-03.

Conditions:
Kniest dysplasia. Identifiers: Orphanet 485, MedGen C0265279, MONDO:0007987, OMIM 156550.

Submissions (2):

Labcorp Genetics (formerly Invitae), Labcorp
Classification: Uncertain significance. Last evaluated: 2024-06-03. Review status: criteria provided, single submitter. Criteria: Invitae Variant Classification Sherloc (09022015). Collection method: clinical testing. Allele origin: germline.
Comment: This sequence change falls in intron 24 of the COL2A1 gene. It does not directly change the encoded amino acid sequence of the COL2A1 protein. It affects a nucleotide within the consensus splice site. This variant is not present in population databases (gnomAD no frequency). This variant has been observed in individual(s) with Kniest dysplasia (PMID: 9468540). ClinVar contains an entry for this variant (Variation ID: 17376). Variants that disrupt the consensus splice site are a relatively common cause of aberrant splicing (PMID: 17576681, 9536098). Algorithms developed to predict the effect of sequence changes on RNA splicing suggest that this variant may disrupt the consensus splice site. In summary, the available evidence is currently insufficient to determine the role of this variant in disease. Therefore, it has been classified as a Variant of Uncertain Significance.

OMIM
Classification: Pathogenic for KNIEST DYSPLASIA. Last evaluated: 1998-02-20. Review status: no assertion criteria provided. Collection method: literature only. Allele origin: germline. Not counted in ClinVar's aggregate classification.

Literature cited by the submitters: PubMed 9468540 (cited by Labcorp Genetics (formerly Invitae), Labcorp and OMIM); PubMed 17576681 (cited by Labcorp Genetics (formerly Invitae), Labcorp); PubMed 9536098 (cited by Labcorp Genetics (formerly Invitae), Labcorp).

NM_001844.5(COL2A1):c.1581+5G>A

Gene: COL2A1 (collagen type II alpha 1 chain; minus strand). Cytogenetic location: 12q13.11.
Variant type: single nucleotide variant.
Coding change: c.1581+5G>A on transcript NM_001844.5 (MANE Select); 5 bases into the intron after coding-DNA position 1581, G replaced by A.
Molecular consequence: intron variant.
Genome position (GRCh38, 1-based): chr12:47,985,907, C>T on the plus strand (G>A on the coding strand, the complement: COL2A1 is on the minus strand). VCF-style: chr12-47985907-C-T. GRCh37 (hg19) VCF-style: chr12-48379690-C-T.
Other names: IVS24, G-A, +5; c.1374+5G>A (NM_033150.3).
Identifiers: ClinVar variation 17376 (VCV000017376.3), dbSNP rs1408154129, ClinGen allele CA604852282.